The following is an entry in ClinVar:

ClinVar aggregate classification (germline): Pathogenic. Review status: reviewed by expert panel (3 of 4 stars). 8 submissions from 8 submitters: Pathogenic (1). 7 of the submissions do not count toward it. Last evaluated 2025-06-24.

Conditions:
Autosomal recessive limb-girdle muscular dystrophy. Identifiers: Orphanet 102015, MedGen C2931907, MONDO:0015152.
Autosomal recessive limb-girdle muscular dystrophy type 2A (LGMDR1). Also called: Limb-girdle muscular dystrophy, type 2A; Muscular dystrophy, limb-girdle, type 2A, Amish; Calpainopathy; LEYDEN-MOEBIUS MUSCULAR DYSTROPHY; MUSCULAR DYSTROPHY, PELVOFEMORAL. Identifiers: Orphanet 267, MedGen C1869123, MONDO:0009675, OMIM 253600. Disease mechanism: loss of function.
Muscular dystrophy, limb-girdle, autosomal dominant 4. Also called: MUSCULAR DYSTROPHY, LIMB-GIRDLE, TYPE 1I; Calpain-3-related limb-girdle muscular dystrophy D4. Identifiers: Orphanet 565909, MedGen C4748295, MONDO:0029133, OMIM 618129.
CAPN3-related disorder. Also called: CAPN3-related disorders; CAPN3-related condition. Identifiers: MedGen CN239245.

Submissions (8):

ClinGen Limb Girdle Muscular Dystrophy Variant Curation Expert Panel, ClinGen
Classification: Pathogenic for Autosomal recessive limb-girdle muscular dystrophy. Last evaluated: 2025-06-24. Review status: reviewed by expert panel. Criteria: ClinGen LGMD VCEP ACMG Specifications CAPN3 V1.0.0. Collection method: curation. Allele origin: germline. Inheritance: Autosomal recessive inheritance.
Comment: The NM_000070.3: c.1401_1403del variant in CAPN3 is expected to cause an in-frame deletion of one amino acid, p.(Glu467del) (PM4). This variant has been identified in at least 8 individuals with features consistent with LGMD (PMID: 16141003, 17994539, 16650086, 31555977, 18854869, 38391941, LOVD CAPN3_000200), including in a homozygous state without reported consanguinity in at least one patient (0.5 pts, PMID: 17994539, LOVD Individual # 00214553), confirmed in trans with a likely pathogenic or pathogenic variant in two patients (c.2148G>T p.(Glu716Asp), 1.0 pt, PMID: 37526466; c.967G>T (p.Glu323Ter), 1.0 pt, PMID: 38391941), and in unknown phase with a pathogenic variant in three patients (c.2242C>T p.(Arg748Ter), 0.5 pts x2 = 1.0 pt, PMID: 16141003, 18854869, LOVD Individuals 00214012, 00214187; c.1865_1866del p.(Glu622GlyfsTer9), 0.5 pts, PMID: 16650086, LOVD Individual #00214391) (PM3_Very Strong). At least one patient with this variant and a second presumed diagnostic variant in CAPN3 displayed progressive limb girdle muscle weakness and significantly reduced expression of calpain-3 protein in skeletal muscle, which is specific for CAPN3-related LGMD (PMID: 18854869; PP4_Moderate). The filtering allele frequency of this variant in gnomAD v4.1.0 exomes is 0.000027195 (the upper threshold of the 95% CI of 21/1111998 European (non-Finnish) chromosomes) , which is less than the ClinGen LGMD VCEP threshold (≤0.0001) (PM2_Supporting). In summary, this variant meets the criteria to be classified as Pathogenic for autosomal recessive limb girdle muscular dystrophy based on the ACMG/AMP criteria applied, as specified by the ClinGen LGMD VCEP (LGMD VCEP specifications version 1.0.0; 06/24/2025): PM3_Very Strong, PP4_Moderate, PM2_Supporting, PM4.

Women's Health and Genetics/Laboratory Corporation of America, LabCorp
Classification: Pathogenic for Autosomal recessive limb-girdle muscular dystrophy. Last evaluated: 2026-04-14. Review status: criteria provided, single submitter. Criteria: LabCorp Variant Classification Summary - May 2015. Collection method: clinical testing. Allele origin: germline. Not counted in ClinVar's aggregate classification.
Comment: Variant summary: CAPN3 c.1401_1403delGGA (p.Glu467del) results in an in-frame deletion that is predicted to remove one amino acids from the encoded protein. The variant allele was found at a frequency of 1.6e-05 in 251454 control chromosomes (gnomAD). c.1401_1403delGGA has been reported in the literature in homozygous and compound heterozygous individuals affected with Limb-Girdle Muscular Dystrophy, Autosomal Recessive (e.g. Piluso_2005, Krahn_2006, Guglieri_2008, Fanin_2009, Barp_2020, Zidkova_2023). These data indicate that the variant is very likely to be associated with disease. The following publications have been ascertained in the context of this evaluation (PMID: 31555977, 18854869, 17994539, 16650086, 16141003, 31517061, 37526466). ClinVar contains an entry for this variant (Variation ID: 553852). To our knowledge, this variant has not been reported in individuals with Limb-Girdle Muscular Dystrophy, Autosomal Dominant. Based on the evidence outlined above, the variant was classified as pathogenic for Limb-Girdle Muscular Dystrophy, Autosomal Recessive.

Labcorp Genetics (formerly Invitae), Labcorp
Classification: Pathogenic for Autosomal recessive limb-girdle muscular dystrophy type 2A. Last evaluated: 2026-01-22. Review status: criteria provided, single submitter. Criteria: Invitae Variant Classification Sherloc (09022015). Collection method: clinical testing. Allele origin: germline. Not counted in ClinVar's aggregate classification.
Comment: This variant, c.1401_1403del, results in the deletion of 1 amino acid(s) of the CAPN3 protein (p.Glu467del), but otherwise preserves the integrity of the reading frame. This variant is present in population databases (rs746075428, gnomAD 0.003%). This variant has been observed in individual(s) with autosomal recessive limb-girdle muscular dystrophy (PMID: 16650086, 17994539, 18854869, 31555977, 38391941). In at least one individual the data is consistent with being in trans (on the opposite chromosome) from a pathogenic variant. For these reasons, this variant has been classified as Pathogenic.

Natera, Inc.
Classification: Likely pathogenic for Limb-girdle muscular dystrophy type 2A. Last evaluated: 2025-09-11. Review status: criteria provided, single submitter. Criteria: Natera Variant Classification Schema (03/2026). Collection method: clinical testing. Allele origin: germline. Not counted in ClinVar's aggregate classification.
Comment: The c.1401_1403delGGA variant in CAPN3 is an in-frame deletion predicted to remove glutamic acid at amino acid 467 while preserving the reading frame. This variant is rare in the general population with a frequency below the threshold expected for the associated phenotype(s). This variant has been observed in one or more individuals affected with the associated recessive disease, as either homozygous or compound heterozygous with a second variant (PMID: 37526466, 18854869, 17994539). Computational prediction algorithms indicate this variant is likely to affect gene or protein function. Given the available evidence, this variant is classified as Likely Pathogenic.

Baylor Genetics
Classification: Pathogenic for Muscular dystrophy, limb-girdle, autosomal dominant 4. Last evaluated: 2023-12-19. Review status: criteria provided, single submitter. Criteria: ACMG Guidelines, 2015. Collection method: clinical testing. Allele origin: unknown. Not counted in ClinVar's aggregate classification.

Blueprint Genetics
Classification: Likely pathogenic for CAPN3-related disorders. Last evaluated: 2023-05-23. Review status: criteria provided, single submitter. Criteria: ACMG Guidelines, 2015. Collection method: clinical testing. Allele origin: germline. Affected: yes. Observed: 3 variant alleles. Not counted in ClinVar's aggregate classification.

Revvity Omics, Revvity
Classification: Likely pathogenic. Last evaluated: 2022-04-21. Review status: criteria provided, single submitter. Criteria: ACMG Guidelines, 2015. Collection method: clinical testing. Allele origin: germline. Not counted in ClinVar's aggregate classification.

Myriad Genetics, Inc.
Classification: Likely pathogenic for Autosomal recessive limb-girdle muscular dystrophy type 2A. Last evaluated: 2021-11-08. Review status: criteria provided, single submitter. Criteria: Myriad Women's Health Autosomal Recessive and X-Linked Classification Criteria (2021). Collection method: clinical testing. Allele origin: unknown. Not counted in ClinVar's aggregate classification.
Comment: NM_000070.2(CAPN3):c.1401_1403delGGA(E467del) is an in-frame deletion variant classified as likely pathogenic in the context of calpainopathy. E467del has been observed in cases with relevant disease (PMID: 16141003, 16650086, 17994539, 31555977). Functional assessments of this variant are not available in the literature. E467del has been observed in population frequency databases (gnomAD: NFE 0.003%). In summary, NM_000070.2(CAPN3):c.1401_1403delGGA(E467del) is an in-frame deletion variant that has been observed more frequently in cases with the relevant disease than in healthy populations. Please note: this variant was assessed in the context of healthy population screening.

Literature cited by the submitters: PubMed 17994539 (cited by 4 submitters); PubMed 18854869 (cited by 3 submitters); PubMed 16141003 (cited by Women's Health and Genetics/Laboratory Corporation of America, LabCorp and Myriad Genetics, Inc.); PubMed 31555977 (cited by 3 submitters); PubMed 31517061 (cited by Women's Health and Genetics/Laboratory Corporation of America, LabCorp); PubMed 16650086 (cited by 3 submitters); PubMed 37526466 (cited by Women's Health and Genetics/Laboratory Corporation of America, LabCorp and Natera, Inc.); PubMed 38391941 (cited by Labcorp Genetics (formerly Invitae), Labcorp).

NM_000070.3(CAPN3):c.1395GGA[2] (p.Glu467del)

Genes: CAPN3 (calpain 3; plus strand), LOC130056921 (ATAC-STARR-seq lymphoblastoid active region 9300; plus strand). Cytogenetic location: 15q15.1.
Variant type: Microsatellite.
Coding change: c.1395GGA[2] on transcript NM_000070.3 (MANE Select); two copies in a row of the 3-base unit GGA starting at c.1395; the reference has three copies in a row; one copy, 3 bases deleted; also written c.1401_1403del.
Protein change: p.Glu467del; deletes glutamic acid 467.
Molecular consequence: inframe deletion.
Genome position (GRCh38, 1-based): chr15:42,401,687-42,401,689, GGA deleted; deleting any 3 consecutive bases within chr15:42,401,681-42,401,689 gives the same sequence; the position shown is the placement nearest the transcript's 3' end. VCF-style (leftmost placement, unchanged base first): chr15-42401680-TGGA-T. GRCh37 (hg19) VCF-style: chr15-42693878-TGGA-T.
Other names: NM_000070.3(CAPN3):c.1395GGA[2]; p.Glu467del; c.1395GGA[2], p.Glu467del (NM_024344.2); c.1251GGA[2], p.Glu419del (NM_173087.2); c.1401_1403del (NM_000070.3); c.1401_1403delGGA (NM_000070.3); short protein forms E467del, E419del.
Identifiers: ClinVar variation 553852 (VCV000553852.20), dbSNP rs746075428, ClinGen allele CA7511349.
Genomic context (GRCh38, chr15:42,401,680, plus strand): 5'-GCTTCCTTTCTGGGGGTGCAGATACTTTCTGGACCAACCCTCAGTACCGTCTGAAGCTCC[TGGA>T]GGAGGACGATGACCCTGATGACTCGGAGGTGATTTGCAGCTTCCTGGTGGCCCTGATGCA-3'